The following is an entry in ClinVar:

ClinVar aggregate classification (germline): Pathogenic. Review status: criteria provided, multiple submitters, no conflicts (2 of 4 stars). 2 submissions from 2 submitters: Pathogenic (2). Last evaluated 2025-08-05.

Conditions:
CFTR-related disorder (CFTR-RD). Also called: CFTR-related condition; CFTR-related disorders. Identifiers: MedGen C5924204, MONDO:7770004.
Cystic fibrosis (CF). Also called: MUCOVISCIDOSIS. Identifiers: Orphanet 586, MedGen C0010674, MONDO:0009061, OMIM 219700. Disease mechanism: loss of function.

Allele frequency attached by ClinVar (database versions not stated): gnomAD exomes below 0.00001.
gnomAD v4.1: 1 of 1,612,640 alleles (0.000062%); highest among the groups gnomAD compares: Non-Finnish European, 0.000085%; no homozygotes.

Submissions (2):

Natera, Inc.
Classification: Pathogenic for CFTR-related disorders. Last evaluated: 2025-08-05. Review status: criteria provided, single submitter. Criteria: Natera Variant Classification Schema (03/2026). Collection method: clinical testing. Allele origin: germline.
Comment: The c.2600T>A variant in CFTR is a nonsense variant predicted to introduce a stop codon at amino acid 867. This variant is expected to result in nonsense mediated decay, truncation, or a dysfunctional protein product. This variant is rare in the general population with a frequency below the threshold expected for the associated phenotype(s). This variant has been observed in one or more individuals affected with the associated recessive disease, as either homozygous or compound heterozygous with a second variant (PMID: 35962622). Given the available evidence, this variant is classified as Pathogenic.

CFTR-France
Classification: Pathogenic for cystic fibrosis; CFTR-related disorders. Last evaluated: 2018-01-29. Review status: criteria provided, single submitter. Criteria: Claustres M et al. (Hum Mutat 2017). Collection method: curation. Allele origin: germline. Affected: yes.
Comment: the variant causes a phenotype but regarding our data, we can't formally attribute it to CF, CFTR-RD or both

Literature cited by the submitters: PubMed 35962622 (cited by Natera, Inc.).

NM_000492.4(CFTR):c.2600T>A (p.Leu867Ter)

Gene: CFTR (CF transmembrane conductance regulator; plus strand). Cytogenetic location: 7q31.2.
Variant type: single nucleotide variant.
Coding change: c.2600T>A on transcript NM_000492.4 (MANE Select); coding-DNA position 2600, T replaced by A.
Protein change: p.Leu867Ter; replaces leucine 867 with a stop codon.
Molecular consequence: nonsense.
Genome position (GRCh38, 1-based): chr7:117,595,039, T>A. VCF-style: chr7-117595039-T-A. GRCh37 (hg19) VCF-style: chr7-117235093-T-A.
Other names: short protein forms L867*.
Identifiers: ClinVar variation 53521 (VCV000053521.2), dbSNP rs397508404, ClinGen allele CA326859.